The following is an entry in ClinVar:

NM_001330288.2(SMARCC2):c.3092G>A (p.Ser1031Asn)

Gene: SMARCC2 (SWI/SNF related BAF chromatin remodeling complex subunit C2; minus strand). Cytogenetic location: 12q13.2.
Variant type: single nucleotide variant.
Coding change: c.3092G>A on transcript NM_001330288.2 (MANE Select); coding-DNA position 3092, G replaced by A.
Protein change: p.Ser1031Asn; replaces serine 1031 with asparagine.
Molecular consequence: missense variant.
Genome position (GRCh38, 1-based): chr12:56,165,458, C>T on the plus strand (G>A on the coding strand, the complement: SMARCC2 is on the minus strand). VCF-style: chr12-56165458-C-T. GRCh37 (hg19) VCF-style: chr12-56559242-C-T.
Other names: c.3092G>A, p.Ser1031Asn (NM_001130420.3, NM_139067.4); c.2999G>A, p.Ser1000Asn (NM_003075.5); c.2999G>A (NM_003075.3, NM_003075.4); short protein forms S1000N, S1031N.
Identifiers: ClinVar variation 1213745 (VCV001213745.7), dbSNP rs1872594253, ClinGen allele CA385339593.

ClinVar aggregate classification (germline): Uncertain significance. Review status: criteria provided, multiple submitters, no conflicts (2 of 4 stars). 4 submissions from 4 submitters: Uncertain significance (4). Last evaluated 2025-03-28.

Conditions:
Coffin-Siris syndrome 8. Identifiers: MedGen C5193054, MONDO:0032702, OMIM 618362.
Inborn genetic diseases. Identifiers: MedGen C0950123, MeSH D030342.
SMARCC2-related disorder. Also called: SMARCC2-related condition.

Allele frequency attached by ClinVar (database versions not stated): gnomAD exomes below 0.00001; TOPMed 0.00001.
gnomAD v4.1: 4 of 1,539,362 alleles (0.00026%); highest among the groups gnomAD compares: Admixed American, 0.004%; no homozygotes.

Submissions (4):

PreventionGenetics, part of Exact Sciences
Classification: Uncertain significance for SMARCC2-related condition. Last evaluated: 2025-03-28. Review status: criteria provided, single submitter. Criteria: ACMG Guidelines, 2015. Collection method: clinical testing. Allele origin: germline.
Comment: The SMARCC2 c.2999G>A variant is predicted to result in the amino acid substitution p.Ser1000Asn. To our knowledge, this variant has not been reported in the literature or in a large population database (gnomAD), indicating this variant is rare. At this time, the clinical significance of this variant is uncertain due to the absence of conclusive functional and genetic evidence.

Ambry Genetics
Classification: Uncertain significance for Inborn genetic diseases. Last evaluated: 2024-11-24. Review status: criteria provided, single submitter. Criteria: Ambry Variant Classification Scheme 2023. Collection method: clinical testing. Allele origin: germline.

Women's Health and Genetics/Laboratory Corporation of America, LabCorp
Classification: Uncertain significance. Last evaluated: 2024-03-21. Review status: criteria provided, single submitter. Criteria: LabCorp Variant Classification Summary - May 2015. Collection method: clinical testing. Allele origin: germline.
Comment: Variant summary: SMARCC2 c.2999G>A (p.Ser1000Asn) results in a conservative amino acid change in the encoded protein sequence. Five of five in-silico tools predict a benign effect of the variant on protein function. The frequency data for this variant in gnomAD is considered unreliable, as metrics indicate poor data quality at this position. To our knowledge, no occurrence of c.2999G>A in individuals affected with Coffin-Siris Syndrome 8 and no experimental evidence demonstrating its impact on protein function have been reported. ClinVar contains an entry for this variant (Variation ID: 1213745). Based on the evidence outlined above, the variant was classified as uncertain significance.

New York Genome Center
Classification: Uncertain significance for Coffin-Siris syndrome 8. Last evaluated: 2020-11-04. Review status: criteria provided, single submitter. Criteria: NYGC Assertion Criteria 2020. Collection method: clinical testing. Allele origin: germline. Observed: 1 heterozygote. Study: CSER-NYCKidSeq.
Comment: The c.2999G>A(p.Ser1000Asn) missense variant in exon 26 of 28 of SMARCC2 (not in any conserved domain) has not been reported in affected individuals in the available literature. This variant is absent in gnomADv3 indicating it is not a common benign variant in the populations represented in this database. In silico predictors suggest this variant is benign (REVEL; score:0.08) and damaging (SIFT; score:0.04). Given the conflicting in silico predictions, lack of inheritance data and functional studies supporting its pathogenicity, the c.2999G>A(p.Ser1000Asn) variant identified in the SMARCC2 gene is reported as a Variant of Uncertain Significance.